The following is an entry in ClinVar:

NM_004656.4(BAP1):c.155G>A (p.Trp52Ter)

Gene: BAP1 (BRCA1 associated deubiquitinase 1; minus strand). Cytogenetic location: 3p21.1.
Variant type: single nucleotide variant.
Coding change: c.155G>A on transcript NM_004656.4 (MANE Select); coding-DNA position 155, G replaced by A.
Protein change: p.Trp52Ter; replaces tryptophan 52 with a stop codon.
Molecular consequence: nonsense.
Genome position (GRCh38, 1-based): chr3:52,408,574, C>T on the plus strand (G>A on the coding strand, the complement: BAP1 is on the minus strand). VCF-style: chr3-52408574-C-T. GRCh37 (hg19) VCF-style: chr3-52442590-C-T.
Other names: c.155G>A (NM_004656.2); short protein forms W52*.
Identifiers: ClinVar variation 629139 (VCV000629139.5), dbSNP rs1559591728, ClinGen allele CA353113574.
Genomic context (GRCh38, chr3:52,408,574, plus strand): 5'-ATCACGGACGTATCATCCACCAAGGTAGAGACCTTTCGCCGGGACCGGCGCTCTTCGATC[C>T]ATTTGAACAGGAAGATAAATCCATATACAGGGCTGGGGGAAGTAAGGGGCAGAGCCAGAT-3'

ClinVar aggregate classification (germline): Pathogenic. Review status: criteria provided, multiple submitters, no conflicts (2 of 4 stars). 2 submissions from 2 submitters: Pathogenic (2). Last evaluated 2025-01-07.

Conditions:
Hereditary cancer-predisposing syndrome. Also called: Neoplastic Syndromes, Hereditary; Tumor predisposition; Hereditary neoplastic syndrome; Hereditary Cancer Syndrome. Identifiers: Orphanet 140162, MedGen C0027672, MeSH D009386, MONDO:0015356.

Submissions (2):

Ambry Genetics
Classification: Pathogenic for Hereditary cancer-predisposing syndrome. Last evaluated: 2025-01-07. Review status: criteria provided, single submitter. Criteria: Ambry Variant Classification Scheme 2023. Collection method: clinical testing. Allele origin: germline.
Comment: The p.W52* variant (also known as c.155G>A), located in coding exon 4 of the BAP1 gene, results from a G to A substitution at nucleotide position 155. This changes the amino acid from a tryptophan to a stop codon within coding exon 4. This variant was reported as a germline alteration in an individual with mesothelioma (Hassan R et al. Proc Natl Acad Sci U S A, 2019 Apr;116:9008-9013; Ghafoor A et al. JTO Clin Res Rep, 2021 Oct;2:100231; Nair NU et al. Cell Rep Med, 2023 Feb;4:100938). This alteration is expected to result in loss of function by premature protein truncation or nonsense-mediated mRNA decay. As such, this alteration is interpreted as a disease-causing mutation.

Color Diagnostics, LLC DBA Color Health
Classification: Pathogenic for Hereditary cancer-predisposing syndrome. Last evaluated: 2020-01-15. Review status: criteria provided, single submitter. Criteria: ACMG Guidelines, 2015. Collection method: clinical testing. Allele origin: germline.
Comment: This variant changes 1 nucleotide in exon 4 of the BAP1 gene, creating a premature translation stop signal. This variant is expected to result in an absent or non-functional protein product. This variant has not been identified in the general population by the Genome Aggregation Database (gnomAD). Loss of BAP1 function is a known mechanism of disease. Based on the available evidence, this variant is classified as Pathogenic.

Literature cited by the submitters: PubMed 30975761 (cited by Ambry Genetics); PubMed 34661178 (cited by Ambry Genetics); PubMed 36773602 (cited by Ambry Genetics).